The following is an entry in ClinVar:

ClinVar aggregate classification (germline): Uncertain significance. Review status: criteria provided, multiple submitters, no conflicts (2 of 4 stars). 2 submissions from 2 submitters: Uncertain significance (2). Last evaluated 2022-11-08.

Conditions:
Epidermodysplasia verruciformis. Identifiers: Orphanet 302, MedGen C0014522, MONDO:0009176.
Inborn genetic diseases. Identifiers: MedGen C0950123, MeSH D030342.

Allele frequency attached by ClinVar (database versions not stated): gnomAD 0.00001; TOPMed 0.00001; ESP Exome Variant Server 0.00008.
gnomAD v4.1: 49 of 1,575,116 alleles (0.0031%); highest among the groups gnomAD compares: Non-Finnish European, 0.0039%; no homozygotes.

Submissions (2):

Ambry Genetics
Classification: Uncertain significance for Inborn genetic diseases. Last evaluated: 2022-11-08. Review status: criteria provided, single submitter. Criteria: Ambry Variant Classification Scheme 2023. Collection method: clinical testing. Allele origin: germline.

Labcorp Genetics (formerly Invitae), Labcorp
Classification: Uncertain significance for Epidermodysplasia verruciformis. Last evaluated: 2022-04-17. Review status: criteria provided, single submitter. Criteria: Invitae Variant Classification Sherloc (09022015). Collection method: clinical testing. Allele origin: germline.
Comment: This sequence change replaces serine, which is neutral and polar, with arginine, which is basic and polar, at codon 75 of the TMC6 protein (p.Ser75Arg). This variant is not present in population databases (gnomAD no frequency). This variant has not been reported in the literature in individuals affected with TMC6-related conditions. Algorithms developed to predict the effect of missense changes on protein structure and function are either unavailable or do not agree on the potential impact of this missense change (SIFT: "Not Available"; PolyPhen-2: "Possibly Damaging"; Align-GVGD: "Not Available"). In summary, the available evidence is currently insufficient to determine the role of this variant in disease. Therefore, it has been classified as a Variant of Uncertain Significance.

NM_001127198.5(TMC6):c.225C>A (p.Ser75Arg)

Gene: TMC6 (transmembrane channel like 6; minus strand). Cytogenetic location: 17q25.3.
Variant type: single nucleotide variant.
Coding change: c.225C>A on transcript NM_001127198.5 (MANE Select); coding-DNA position 225, C replaced by A.
Protein change: p.Ser75Arg; replaces serine 75 with arginine.
Molecular consequence: missense variant. On other transcripts: non-coding transcript variant (4).
Genome position (GRCh38, 1-based): chr17:78,126,323, G>T on the plus strand (C>A on the coding strand, the complement: TMC6 is on the minus strand). VCF-style: chr17-78126323-G-T. GRCh37 (hg19) VCF-style: chr17-76122404-G-T.
Other names: c.225C>A, p.Ser75Arg (NM_001321185.1, NM_001374593.1, NM_001374594.1 and 4 more transcripts); short protein forms S75R.
Identifiers: ClinVar variation 2084015 (VCV002084015.2), dbSNP rs370551411, ClinGen allele CA294356638.